The following is an entry in ClinVar:

NM_001040151.2(SCN3B):c.244C>T (p.Gln82Ter)

Gene: SCN3B (sodium voltage-gated channel beta subunit 3; minus strand). Cytogenetic location: 11q24.1.
Variant type: single nucleotide variant.
Coding change: c.244C>T on transcript NM_001040151.2 (MANE Select); coding-DNA position 244, C replaced by T.
Protein change: p.Gln82Ter; replaces glutamine 82 with a stop codon.
Molecular consequence: nonsense.
Genome position (GRCh38, 1-based): chr11:123,642,647, G>A on the plus strand (C>T on the coding strand, the complement: SCN3B is on the minus strand). VCF-style: chr11-123642647-G-A. GRCh37 (hg19) VCF-style: chr11-123513355-G-A.
Other names: c.244C>T, p.Gln82Ter (NM_018400.4); short protein forms Q82*.
Identifiers: ClinVar variation 2098552 (VCV002098552.4), dbSNP rs2497572995, ClinGen allele CA383072556.

ClinVar aggregate classification (germline): Uncertain significance (1 of 4 stars; one submission).

Conditions:
Brugada syndrome 7 (BRGDA7). Identifiers: Orphanet 130, MedGen C2751088, MONDO:0013146, OMIM 613120.

Submission:

Labcorp Genetics (formerly Invitae), Labcorp
Classification: Uncertain significance for Brugada syndrome 7. Last evaluated: 2022-10-17. Review status: criteria provided, single submitter. Criteria: Invitae Variant Classification Sherloc (09022015). Collection method: clinical testing. Allele origin: germline.
Comment: In summary, the available evidence is currently insufficient to determine the role of this variant in disease. Therefore, it has been classified as a Variant of Uncertain Significance. This variant has not been reported in the literature in individuals affected with SCN3B-related conditions. This variant is not present in population databases (gnomAD no frequency). This sequence change creates a premature translational stop signal (p.Gln82*) in the SCN3B gene. It is expected to result in an absent or disrupted protein product. However, the current clinical and genetic evidence is not sufficient to establish whether loss-of-function variants in SCN3B cause disease.